The following is an entry in ClinVar:

ClinVar aggregate classification (germline): Uncertain significance (1 of 4 stars; one submission).

Conditions:
Combined immunodeficiency due to LRBA deficiency. Also called: Common variable immunodeficiency 8, with autoimmunity. Identifiers: Orphanet 445018, MedGen C3553512, MONDO:0013863, OMIM 614700.

gnomAD v4.1: 4 of 1,609,210 alleles (0.00025%); highest among the groups gnomAD compares: Middle Eastern, 0.017%; no homozygotes.

Submission:

Labcorp Genetics (formerly Invitae), Labcorp
Classification: Uncertain significance for Combined immunodeficiency due to LRBA deficiency. Last evaluated: 2022-08-19. Review status: criteria provided, single submitter. Criteria: Invitae Variant Classification Sherloc (09022015). Collection method: clinical testing. Allele origin: germline.
Comment: This sequence change replaces alanine, which is neutral and non-polar, with threonine, which is neutral and polar, at codon 1449 of the LRBA protein (p.Ala1449Thr). This variant is present in population databases (rs780513482, gnomAD 0.0009%). This variant has not been reported in the literature in individuals affected with LRBA-related conditions. Algorithms developed to predict the effect of missense changes on protein structure and function are either unavailable or do not agree on the potential impact of this missense change (SIFT: "Tolerated"; PolyPhen-2: "Possibly Damaging"; Align-GVGD: "Class C0"). In summary, the available evidence is currently insufficient to determine the role of this variant in disease. Therefore, it has been classified as a Variant of Uncertain Significance.

NM_001364905.1(LRBA):c.4345G>A (p.Ala1449Thr)

Gene: LRBA (LPS responsive beige-like anchor protein; minus strand). Cytogenetic location: 4q31.3.
Variant type: single nucleotide variant.
Coding change: c.4345G>A on transcript NM_001364905.1 (MANE Select); coding-DNA position 4345, G replaced by A.
Protein change: p.Ala1449Thr; replaces alanine 1449 with threonine.
Molecular consequence: missense variant.
Genome position (GRCh38, 1-based): chr4:150,844,774, C>T on the plus strand (G>A on the coding strand, the complement: LRBA is on the minus strand). VCF-style: chr4-150844774-C-T. GRCh37 (hg19) VCF-style: chr4-151765926-C-T.
Other names: c.4345G>A, p.Ala1449Thr (NM_001199282.3, NM_001367550.1, NM_006726.5); short protein forms A1449T.
Identifiers: ClinVar variation 2126697 (VCV002126697.4), dbSNP rs780513482, ClinGen allele CA3102817.